The following is an entry in ClinVar:

NM_006565.4(CTCF):c.307A>G (p.Met103Val)

Gene: CTCF (CCCTC-binding factor; plus strand). Cytogenetic location: 16q22.1.
Variant type: single nucleotide variant.
Coding change: c.307A>G on transcript NM_006565.4 (MANE Select); coding-DNA position 307, A replaced by G.
Protein change: p.Met103Val; replaces methionine 103 with valine.
Molecular consequence: missense variant. On other transcripts: intron variant (1).
Genome position (GRCh38, 1-based): chr16:67,611,139, A>G. VCF-style: chr16-67611139-A-G. GRCh37 (hg19) VCF-style: chr16-67645042-A-G.
Other names: c.307A>G, p.Met103Val (NM_001363916.2); c.-32-5606A>G (NM_001191022.2); short protein forms M103V.
Identifiers: ClinVar variation 1334567 (VCV001334567.4), dbSNP rs1419322536, ClinGen allele CA396304113.

ClinVar aggregate classification (germline): Uncertain significance (1 of 4 stars; one submission).

Allele frequency attached by ClinVar (database versions not stated): gnomAD exomes below 0.00001 and 0.00002.

Submission:

Greenwood Genetic Center Diagnostic Laboratories, Greenwood Genetic Center
Classification: Uncertain significance. Last evaluated: 2021-09-15. Review status: criteria provided, single submitter. Criteria: ACMG Guidelines, 2015. Collection method: clinical testing. Allele origin: germline. Affected: yes.
Comment: PP2, PM2